The following is an entry in ClinVar:

ClinVar aggregate classification (germline): Uncertain significance. Review status: criteria provided, multiple submitters, no conflicts (2 of 4 stars). 3 submissions from 3 submitters: Uncertain significance (3). Last evaluated 2024-10-22.

Allele frequency attached by ClinVar (database versions not stated): TOPMed 0.00002; ExAC 0.00004; gnomAD exomes 0.00004; gnomAD 0.00006.
gnomAD v4.1: 63 of 1,613,760 alleles (0.0039%); highest among the groups gnomAD compares: Admixed American, 0.0033%; no homozygotes.

Submissions (3):

Labcorp Genetics (formerly Invitae), Labcorp
Classification: Uncertain significance. Last evaluated: 2024-10-22. Review status: criteria provided, single submitter. Criteria: Invitae Variant Classification Sherloc (09022015). Collection method: clinical testing. Allele origin: germline.
Comment: This sequence change replaces arginine, which is basic and polar, with glutamine, which is neutral and polar, at codon 78 of the XPO5 protein (p.Arg78Gln). This variant is present in population databases (rs746237786, gnomAD 0.04%). This variant has not been reported in the literature in individuals affected with XPO5-related conditions. ClinVar contains an entry for this variant (Variation ID: 2174928). An algorithm developed to predict the effect of missense changes on protein structure and function (PolyPhen-2) suggests that this variant is likely to be disruptive. In summary, the available evidence is currently insufficient to determine the role of this variant in disease. Therefore, it has been classified as a Variant of Uncertain Significance.

Blueprint Genetics
Classification: Uncertain significance. Last evaluated: 2024-06-26. Review status: criteria provided, single submitter. Criteria: ACMG Guidelines, 2015. Collection method: clinical testing. Allele origin: germline.

Ambry Genetics
Classification: Uncertain significance. Last evaluated: 2021-07-20. Review status: criteria provided, single submitter. Criteria: Ambry Variant Classification Scheme 2023. Collection method: clinical testing. Allele origin: germline.

NM_020750.3(XPO5):c.233G>A (p.Arg78Gln)

Gene: XPO5 (exportin 5; minus strand). Cytogenetic location: 6p21.1.
Variant type: single nucleotide variant.
Coding change: c.233G>A on transcript NM_020750.3 (MANE Select); coding-DNA position 233, G replaced by A.
Protein change: p.Arg78Gln; replaces arginine 78 with glutamine.
Molecular consequence: missense variant. On other transcripts: non-coding transcript variant (1).
Genome position (GRCh38, 1-based): chr6:43,572,573, C>T on the plus strand (G>A on the coding strand, the complement: XPO5 is on the minus strand). VCF-style: chr6-43572573-C-T. GRCh37 (hg19) VCF-style: chr6-43540310-C-T.
Other names: short protein forms R78Q.
Identifiers: ClinVar variation 2174928 (VCV002174928.6), dbSNP rs746237786, ClinGen allele CA3826769.
Genomic context (GRCh38, chr6:43,572,573, plus strand): 5'-ATCAGCTCCATGACACTGTTCTTCAGATACACCTTCTCCAATCGAGACATGCCGTTCCAC[C>T]GAAACCTGACCACCAAAATGCATAAAGTCAATAGAACCACTTTAGAAGTCTTGTCTTTAC-3'
Protein context (NP_065801.1, residues 68-88): LQILEHVVKF[Arg78Gln]WNGMSRLEKV